The following is an entry in ClinVar:

NM_004168.4(SDHA):c.150+2T>C

Gene: SDHA (succinate dehydrogenase complex flavoprotein subunit A; plus strand). Cytogenetic location: 5p15.33.
Variant type: single nucleotide variant.
Coding change: c.150+2T>C on transcript NM_004168.4 (MANE Select); the canonical splice donor site of the intron after coding-DNA position 150, T replaced by C.
Molecular consequence: splice donor variant.
Genome position (GRCh38, 1-based): chr5:223,570, T>C. VCF-style: chr5-223570-T-C. GRCh37 (hg19) VCF-style: chr5-223685-T-C.
Other names: c.150+2T>C (NM_001330758.2, NM_001294332.2).
Identifiers: ClinVar variation 3438675 (VCV003438675.1).

ClinVar aggregate classification (germline): Uncertain significance (1 of 4 stars; one submission).

Conditions:
Hereditary cancer-predisposing syndrome. Also called: Tumor predisposition; Neoplastic Syndromes, Hereditary; Hereditary neoplastic syndrome; Hereditary Cancer Syndrome. Identifiers: Orphanet 140162, MedGen C0027672, MeSH D009386, MONDO:0015356.

Submission:

Ambry Genetics
Classification: Uncertain significance for Hereditary cancer-predisposing syndrome. Last evaluated: 2024-11-12. Review status: criteria provided, single submitter. Criteria: Ambry Variant Classification Scheme 2023. Collection method: clinical testing. Allele origin: germline.
Comment: The c.150+2T>C intronic variant results from a T to C substitution two nucleotides after coding exon 2 in the SDHA gene. Alterations that disrupt the canonical splice site are expected to cause aberrant splicing, resulting in an abnormal protein or a transcript that is subject to nonsense-mediated mRNA decay; however, +2T>C alterations are capable of generating wild-type transcripts in some genomic contexts and should be interpreted with caution (Lin JH et al. Hum Mutat. 2019 10;40:1856-1873). In addition, the resulting transcript is predicted to be in-frame and is not expected to trigger nonsense-mediated mRNA decay. This nucleotide position is highly conserved in available vertebrate species. In silico splice site analysis predicts that this alteration will weaken the native splice donor site. RNA studies have demonstrated that this alteration results in a transcript predicted to lead to a protein with an in-frame deletion of 29 amino acids; however, the exact functional impact of the deleted amino acids is unknown at this time (Ambry internal data). Based on the available evidence, the clinical significance of this variant remains unclear.